The following is an entry in ClinVar:

NM_004006.3(DMD):c.1812+329C>A

Gene: DMD (dystrophin; minus strand). Cytogenetic location: Xp21.1.
Variant type: single nucleotide variant.
Coding change: c.1812+329C>A on transcript NM_004006.3 (MANE Select); 329 bases into the intron after coding-DNA position 1812, C replaced by A.
Molecular consequence: intron variant.
Genome position (GRCh38, 1-based): chrX:32,573,201, G>T on the plus strand (C>A on the coding strand, the complement: DMD is on the minus strand). VCF-style: chrX-32573201-G-T. GRCh37 (hg19) VCF-style: chrX-32591318-G-T.
Other names: c.1788+329C>A (NM_000109.4); c.1800+329C>A (NM_004009.3); c.1443+329C>A (NM_004010.3).
Identifiers: ClinVar variation 680594 (VCV000680594.1), dbSNP rs5927081, ClinGen allele CA15005265.

ClinVar aggregate classification (germline): Benign (1 of 4 stars; one submission).

Allele frequency attached by ClinVar (database versions not stated): 1000 Genomes Project 30x 0.07575; 1000 Genomes Project 0.07709; TOPMed 0.09087.
gnomAD v4.1: 10,071 of 111,481 alleles (9%); highest among the groups gnomAD compares: Middle Eastern, 12%; 383 homozygotes.

Submission:

GeneDx
Classification: Benign. Last evaluated: 2018-06-14. Review status: criteria provided, single submitter. Criteria: GeneDx Variant Classification (06012015). Collection method: clinical testing. Allele origin: germline. Affected: yes.
Comment: This variant is considered likely benign or benign based on one or more of the following criteria: it is a conservative change, it occurs at a poorly conserved position in the protein, it is predicted to be benign by multiple in silico algorithms, and/or has population frequency not consistent with disease.